The following is an entry in ClinVar:

ClinVar aggregate classification (germline): Likely benign. Review status: criteria provided, multiple submitters, no conflicts (2 of 4 stars). 2 submissions from 2 submitters: Likely benign (2). Last evaluated 2025-12-30.

Conditions:
RPGRIP1L-related disorder. Also called: RPGRIP1L-related condition; RPGRIP1L-related disorders. Identifiers: MedGen CN239416.
Joubert syndrome. Also called: JOUBERT-BOLTSHAUSER SYNDROME; Familial aplasia of the vermis. Identifiers: Orphanet 475, MedGen C5979921, MONDO:0018772.
Meckel-Gruber syndrome. Also called: DYSENCEPHALIA SPLANCHNOCYSTICA; GRUBER SYNDROME; Dysencephalia splachnocystica. Identifiers: Orphanet 564, MedGen C0265215, MONDO:0018921.

Allele frequency attached by ClinVar (database versions not stated): gnomAD 0.00001; gnomAD exomes 0.00001; TOPMed 0.00001.
gnomAD v4.1: 18 of 1,613,972 alleles (0.0011%); highest among the groups gnomAD compares: Non-Finnish European, 0.0015%; no homozygotes.

Submissions (2):

PreventionGenetics, part of Exact Sciences
Classification: Likely benign for RPGRIP1L-related condition. Last evaluated: 2025-12-30. Review status: criteria provided, single submitter. Criteria: ACMG Guidelines, 2015. Collection method: clinical testing. Allele origin: germline.
Comment: This variant is classified as likely benign based on ACMG/AMP sequence variant interpretation guidelines (Richards et al. 2015 PMID: 25741868, with internal and published modifications).

Labcorp Genetics (formerly Invitae), Labcorp
Classification: Likely benign for Joubert syndrome; Meckel-Gruber syndrome. Last evaluated: 2023-08-08. Review status: criteria provided, single submitter. Criteria: Invitae Variant Classification Sherloc (09022015). Collection method: clinical testing. Allele origin: germline.

NM_015272.5(RPGRIP1L):c.462A>G (p.Gln154=)

Gene: RPGRIP1L (RPGRIP1 like; minus strand). Cytogenetic location: 16q12.2.
Variant type: single nucleotide variant.
Coding change: c.462A>G on transcript NM_015272.5 (MANE Select); coding-DNA position 462, A replaced by G.
Protein change: p.Gln154=; no amino-acid change (glutamine 154 retained).
Molecular consequence: synonymous variant.
Genome position (GRCh38, 1-based): chr16:53,692,133, T>C on the plus strand (A>G on the coding strand, the complement: RPGRIP1L is on the minus strand). VCF-style: chr16-53692133-T-C. GRCh37 (hg19) VCF-style: chr16-53726045-T-C.
Other names: c.462A>G, p.Gln154= (NM_001127897.4, NM_001308334.3, NM_001330538.2); c.462A>G (NM_015272.4).
Identifiers: ClinVar variation 2149322 (VCV002149322.5), dbSNP rs1298157360, ClinGen allele CA495539180.